The following is an entry in ClinVar:

NM_000322.5(PRPH2):c.269A>G (p.Lys90Arg)

Gene: PRPH2 (peripherin 2; minus strand). Cytogenetic location: 6p21.1.
Variant type: single nucleotide variant.
Coding change: c.269A>G on transcript NM_000322.5 (MANE Select); coding-DNA position 269, A replaced by G.
Protein change: p.Lys90Arg; replaces lysine 90 with arginine.
Molecular consequence: missense variant.
Genome position (GRCh38, 1-based): chr6:42,722,066, T>C on the plus strand (A>G on the coding strand, the complement: PRPH2 is on the minus strand). VCF-style: chr6-42722066-T-C. GRCh37 (hg19) VCF-style: chr6-42689804-T-C.
Other names: short protein forms K90R.
Identifiers: ClinVar variation 4739675 (VCV004739675.1).

ClinVar aggregate classification (germline): Uncertain significance (1 of 4 stars; one submission).

Conditions:
PRPH2-related disorder. Also called: PRPH2-related condition; PRPH2-related disorders. Identifiers: MedGen CN239395.

gnomAD v4.1: 3 of 1,614,080 alleles (0.00019%); highest among the groups gnomAD compares: African/African-American, 0.0027%; no homozygotes.

Submission:

Labcorp Genetics (formerly Invitae), Labcorp
Classification: Uncertain significance for PRPH2-related disorder. Last evaluated: 2025-05-15. Review status: criteria provided, single submitter. Criteria: Invitae Variant Classification Sherloc (09022015). Collection method: clinical testing. Allele origin: germline.
Comment: This sequence change replaces lysine, which is basic and polar, with arginine, which is basic and polar, at codon 90 of the PRPH2 protein (p.Lys90Arg). This variant is present in population databases (rs772157862, gnomAD 0.007%). This variant has not been reported in the literature in individuals affected with PRPH2-related conditions. Invitae Evidence Modeling of protein sequence and biophysical properties (such as structural, functional, and spatial information, amino acid conservation, physicochemical variation, residue mobility, and thermodynamic stability) has been performed for this missense variant. However, the output from this modeling did not meet the statistical confidence thresholds required to predict the impact of this variant on PRPH2 protein function. In summary, the available evidence is currently insufficient to determine the role of this variant in disease. Therefore, it has been classified as a Variant of Uncertain Significance.